The following is an entry in ClinVar:

ClinVar aggregate classification (germline): Conflicting classifications of pathogenicity. Review status: criteria provided, conflicting classifications (1 of 4 stars). 11 submissions from 11 submitters: Likely pathogenic (4); Uncertain significance (6). 1 of the submissions does not count toward it. Last evaluated 2026-09-01.

Conditions:
BBS12-related disorder. Also called: BBS12-related condition.
Inborn genetic diseases. Identifiers: MedGen C0950123, MeSH D030342.
Bardet-Biedl syndrome (BBS). Identifiers: Orphanet 110, MedGen C0752166, MONDO:0015229.
Bardet-Biedl syndrome 12 (BBS12). Identifiers: Orphanet 110, MedGen C1859570, MONDO:0014440, OMIM 615989.

Allele frequency attached by ClinVar (database versions not stated): gnomAD exomes 0.00001; ExAC 0.00002; gnomAD 0.00002; TOPMed 0.00002.
gnomAD v4.1: 20 of 1,606,442 alleles (0.0012%); highest among the groups gnomAD compares: East Asian, 0.0022%; no homozygotes.

Submissions (11):

PreventionGenetics, part of Exact Sciences
Classification: Uncertain significance for BBS12-related condition. Last evaluated: 2026-09-01. Review status: criteria provided, single submitter. Criteria: ACMG Guidelines, 2015. Collection method: clinical testing. Allele origin: germline.
Comment: The BBS12 c.2020C>T variant is predicted to result in the amino acid substitution p.Arg674Cys. This variant has been reported in the homozygous state in two siblings affected with Bardet-Biedl syndrome, who also carried an additional BBS12 homozygous missense change (p.Val400Met) and a heterozygous BBS1 variant (p.Phe534Ala; Billingsley et al 2010. PubMed ID: 20472660). Although no definitive conclusions have been drawn, in silico predictions and reports from other laboratories suggest that the p.Arg674Cys variant may be more likely to be the causative variant, and p.Val400Met may be more likely benign. This variant is reported in 0.0062% of alleles in individuals of African descent in gnomAD. It has conflicting interpretations in ClinVar of likely pathogenic and uncertain. Although we suspect that this variant may be pathogenic, at this time, the clinical significance of this variant is uncertain due to the absence of conclusive functional and genetic evidence.

Myriad Genetics, Inc.
Classification: Uncertain significance for Bardet-Biedl syndrome 12. Last evaluated: 2025-08-01. Review status: criteria provided, single submitter. Criteria: Myriad Autosomal Dominant, Autosomal Recessive and X-Linked Classification Criteria (2023). Collection method: clinical testing. Allele origin: unknown.
Comment: NM_152618.2(BBS12):c.2020C>T(R674C) is a missense variant classified as a variant of uncertain significance in the context of Bardet-Biedl syndrome, BBS12-related. R674C has been observed in cases with relevant disease (PMID: 33046855, 20472660). Relevant functional assessments of this variant are not available in the literature. R674C has been observed in referenced population frequency databases. In summary, there is insufficient evidence to classify NM_152618.2(BBS12):c.2020C>T(R674C) as pathogenic or benign. Please note: this variant was assessed in the context of healthy population screening.

Natera, Inc.
Classification: Likely pathogenic for Bardet-Biedl syndrome type 12. Last evaluated: 2025-05-05. Review status: criteria provided, single submitter. Criteria: Natera Variant Classification Schema (03/2026). Collection method: clinical testing. Allele origin: germline.
Comment: The c.2020C>T variant in BBS12 is a missense variant predicted to cause substitution of arginine to cysteine at amino acid 674. This variant is rare in the general population with a frequency below the threshold expected for the associated phenotype(s). This variant has been observed in one or more individuals affected with the associated recessive disease, as either homozygous or compound heterozygous with a second variant (PMID: 20472660). Additionally, this variant has been observed to segregate in affected family members (PMID: 20472660). Computational prediction algorithms indicate this variant is likely to affect gene or protein function. Given the available evidence, this variant is classified as Likely Pathogenic.

3billion
Classification: Uncertain significance for Bardet-Biedl syndrome 12. Last evaluated: 2025-02-21. Review status: criteria provided, single submitter. Criteria: ACMG Guidelines, 2015. Collection method: clinical testing. Allele origin: germline. Affected: yes.
Comment: The variant is observed at an extremely low frequency in the gnomAD v4.1.0 dataset (total allele frequency: 0.001%). Predicted Consequence/Location: Missense variant. The majority of the known disease-causing variants of this gene are variants expected to result in premature termination of the protein. In silico tool predictions suggest damaging effect of the variant on gene or gene product [REVEL: 0.74 (>=0.6, sensitivity 0.68 and specificity 0.92); 3Cnet: 0.93 (>=0.6, sensitivity 0.72 and precision 0.9)]. The same nucleotide change resulting in the same amino acid change has been previously reported to be associated with BBS12-related disorder (ClinVar ID: VCV000281596 /PMID: 20472660 /3billion dataset). However, the evidence of pathogenicity is insufficient at this time. Therefore, this variant is classified as VUS according to the recommendation of ACMG/AMP guideline.

Lab De Baere, Eye and Developmental Genetics Lab, Ghent University
Classification: Likely pathogenic for Bardet-Biedl syndrome. Last evaluated: 2024-10-01. Review status: criteria provided, single submitter. Criteria: ACMG Guidelines, 2015. Collection method: research. Allele origin: inherited. Affected: yes. Observed: 1 variant allele.
Comment: ACMG/AMP guidelines: PM2, PP3, PP1, PM3_2

Blueprint Genetics
Classification: Likely pathogenic for BBS12-related disorders. Last evaluated: 2024-02-07. Review status: criteria provided, single submitter. Criteria: ACMG Guidelines, 2015. Collection method: clinical testing. Allele origin: germline. Affected: yes. Observed: 3 variant alleles.

Ambry Genetics
Classification: Uncertain significance for Inborn genetic diseases. Last evaluated: 2021-10-27. Review status: criteria provided, single submitter. Criteria: Ambry Variant Classification Scheme 2023. Collection method: clinical testing. Allele origin: germline.

Labcorp Genetics (formerly Invitae), Labcorp
Classification: Uncertain significance for Bardet-Biedl syndrome. Last evaluated: 2019-11-08. Review status: criteria provided, single submitter. Criteria: Invitae Variant Classification Sherloc (09022015). Collection method: clinical testing. Allele origin: germline.
Comment: This sequence change replaces arginine with cysteine at codon 674 of the BBS12 protein (p.Arg674Cys). The arginine residue is highly conserved and there is a large physicochemical difference between arginine and cysteine. This variant is present in population databases (rs759088490, ExAC 0.01%). This variant has been observed to segregate with Bardet-Biedl syndrome in a family (PMID: 20472660). ClinVar contains an entry for this variant (Variation ID: 281596). Algorithms developed to predict the effect of missense changes on protein structure and function (SIFT, PolyPhen-2, Align-GVGD) all suggest that this variant is likely to be disruptive, but these predictions have not been confirmed by published functional studies and their clinical significance is uncertain. In summary, the available evidence is currently insufficient to determine the role of this variant in disease. Therefore, it has been classified as a Variant of Uncertain Significance.

GeneDx
Classification: Likely pathogenic. Last evaluated: 2015-12-09. Review status: criteria provided, single submitter. Criteria: GeneDx Variant Classification (06012015). Collection method: clinical testing. Allele origin: germline. Affected: yes.
Comment: The R674C variant in the BBS12 gene has been reported previously in the homozygous state in two siblings with Bardet-Biedl syndrome. These siblings also harbored another BBS12 variant in cis with R674C as well as a heterozygous variant in BBS1 (Billingsley et al., 2010). The R674C variant was not observed in approximately 6,500 individuals of European and African American ancestry in the NHLBI Exome Sequencing Project, indicating it is not a common benign variant in these populations. The R674C variant is a non-conservative amino acid substitution, which is likely to impact secondary protein structure as these residues differ in polarity, charge, size and/or other properties. This substitution occurs at a position that is conserved across species. In silico analysis predicts this variant is probably damaging to the protein structure/function. The R674C variant is a strong candidate for a pathogenic variant, however the possibility it may be a rare benign variant cannot be excluded.

Eurofins Ntd Llc (ga)
Classification: Uncertain significance. Last evaluated: 2015-06-18. Review status: criteria provided, single submitter. Criteria: EGL Classification Definitions 2015. Collection method: clinical testing. Allele origin: germline. Observed: 2 variant alleles, 2 homozygotes.

Counsyl
Classification: Uncertain significance for Bardet-Biedl syndrome 12. Last evaluated: 2017-10-16. Review status: no assertion criteria provided. Collection method: clinical testing. Allele origin: unknown. Not counted in ClinVar's aggregate classification.

Literature cited by the submitters: PubMed 20472660 (cited by 6 submitters); PubMed 33046855 (cited by Myriad Genetics, Inc. and Ambry Genetics).

NM_152618.3(BBS12):c.2020C>T (p.Arg674Cys)

Gene: BBS12 (Bardet-Biedl syndrome 12; plus strand). Cytogenetic location: 4q27.
Variant type: single nucleotide variant.
Coding change: c.2020C>T on transcript NM_152618.3 (MANE Select); coding-DNA position 2020, C replaced by T.
Protein change: p.Arg674Cys; replaces arginine 674 with cysteine.
Molecular consequence: missense variant.
Genome position (GRCh38, 1-based): chr4:122,743,912, C>T. VCF-style: chr4-122743912-C-T. GRCh37 (hg19) VCF-style: chr4-123665067-C-T.
Other names: c.2020C>T, p.Arg674Cys (NM_001178007.2); c.2020C>T (NM_001178007.1); short protein forms R674C.
Identifiers: ClinVar variation 281596 (VCV000281596.18), dbSNP rs759088490, ClinGen allele CA3069551.